The following is an entry in ClinVar:

ClinVar aggregate classification (germline): Uncertain significance (1 of 4 stars; one submission).

Conditions:
Tuberous sclerosis 2 (TSC2). Identifiers: Orphanet 805, MedGen C1860707, MONDO:0013199, OMIM 613254.

Submission:

Labcorp Genetics (formerly Invitae), Labcorp
Classification: Uncertain significance for Tuberous sclerosis 2. Last evaluated: 2022-11-01. Review status: criteria provided, single submitter. Criteria: Invitae Variant Classification Sherloc (09022015). Collection method: clinical testing. Allele origin: germline.
Comment: Advanced modeling of protein sequence and biophysical properties (such as structural, functional, and spatial information, amino acid conservation, physicochemical variation, residue mobility, and thermodynamic stability) performed at Invitae indicates that this missense variant is not expected to disrupt TSC2 protein function. ClinVar contains an entry for this variant (Variation ID: 864206). In summary, the available evidence is currently insufficient to determine the role of this variant in disease. Therefore, it has been classified as a Variant of Uncertain Significance. This variant has not been reported in the literature in individuals affected with TSC2-related conditions. This sequence change replaces serine, which is neutral and polar, with phenylalanine, which is neutral and non-polar, at codon 457 of the TSC2 protein (p.Ser457Phe). This variant is not present in population databases (gnomAD no frequency).

NM_000548.5(TSC2):c.1370C>T (p.Ser457Phe)

Gene: TSC2 (TSC complex subunit 2; plus strand). Cytogenetic location: 16p13.3.
Variant type: single nucleotide variant.
Coding change: c.1370C>T on transcript NM_000548.5 (MANE Select); coding-DNA position 1370, C replaced by T.
Protein change: p.Ser457Phe; replaces serine 457 with phenylalanine.
Molecular consequence: missense variant.
Genome position (GRCh38, 1-based): chr16:2,062,980, C>T. VCF-style: chr16-2062980-C-T. GRCh37 (hg19) VCF-style: chr16-2112981-C-T.
Other names: c.1370C>T, p.Ser457Phe (NM_001077183.3, NM_001114382.3, NM_001363528.2 and 3 more transcripts); c.1259C>T, p.Ser420Phe (NM_001318827.2); c.1223C>T, p.Ser408Phe (NM_001318829.2); c.770C>T, p.Ser257Phe (NM_001318831.2); c.1403C>T, p.Ser468Phe (NM_001318832.2); short protein forms S408F, S468F, S457F, S257F, S420F.
Identifiers: ClinVar variation 864206 (VCV000864206.7), dbSNP rs1278503244, ClinGen allele CA394323628.